The following is an entry in ClinVar:

NM_013275.6(ANKRD11):c.3973T>C (p.Phe1325Leu)

Gene: ANKRD11 (ankyrin repeat domain 11; minus strand). Cytogenetic location: 16q24.3.
Variant type: single nucleotide variant.
Coding change: c.3973T>C on transcript NM_013275.6 (MANE Select); coding-DNA position 3973, T replaced by C.
Protein change: p.Phe1325Leu; replaces phenylalanine 1325 with leucine.
Molecular consequence: missense variant.
Genome position (GRCh38, 1-based): chr16:89,282,569, A>G on the plus strand (T>C on the coding strand, the complement: ANKRD11 is on the minus strand). VCF-style: chr16-89282569-A-G. GRCh37 (hg19) VCF-style: chr16-89348977-A-G.
Other names: c.3973T>C, p.Phe1325Leu (NM_001256182.2, NM_001256183.2); short protein forms F1325L.
Identifiers: ClinVar variation 588809 (VCV000588809.39), dbSNP rs138543822, ClinGen allele CA8242238.

ClinVar aggregate classification (germline): Benign/Likely benign. Review status: criteria provided, multiple submitters, no conflicts (2 of 4 stars). 5 submissions from 5 submitters: Benign (1); Likely benign (4). Last evaluated 2025-05-10.

Conditions:
Inborn genetic diseases. Identifiers: MedGen C0950123, MeSH D030342.
KBG syndrome (KBGS). Also called: ANKRD11-Related KBG Syndrome. Identifiers: Orphanet 2332, MedGen C0220687, MONDO:0007846, OMIM 148050.

Allele frequency attached by ClinVar (database versions not stated): TOPMed 0.00010; 1000 Genomes Project 30x 0.00016; 1000 Genomes Project 0.00020.
gnomAD v4.1: 50 of 1,613,996 alleles (0.0031%); highest among the groups gnomAD compares: East Asian, 0.058%; no homozygotes.

Submissions (5):

Labcorp Genetics (formerly Invitae), Labcorp
Classification: Likely benign for KBG syndrome. Last evaluated: 2025-05-10. Review status: criteria provided, single submitter. Criteria: Invitae Variant Classification Sherloc (09022015). Collection method: clinical testing. Allele origin: germline.

Blueprint Genetics
Classification: Likely benign. Last evaluated: 2024-10-18. Review status: criteria provided, single submitter. Criteria: ACMG Guidelines, 2015. Collection method: clinical testing. Allele origin: germline.

CeGaT Center for Human Genetics Tuebingen
Classification: Benign. Last evaluated: 2022-07-01. Review status: criteria provided, single submitter. Criteria: CeGaT Center For Human Genetics Tuebingen Variant Classification Criteria Version 2. Collection method: clinical testing. Allele origin: germline. Affected: yes. Observed: 1 variant allele.
Comment: ANKRD11: BS1, BS2

Ambry Genetics
Classification: Likely benign for Inborn genetic diseases. Last evaluated: 2017-02-22. Review status: criteria provided, single submitter. Criteria: Ambry Variant Classification Scheme 2023. Collection method: clinical testing. Allele origin: germline.

Breakthrough Genomics
Classification: Likely benign. Review status: criteria provided, single submitter. Criteria: ACMG Guidelines, 2015. Collection method: not provided. Allele origin: germline. Inheritance: Autosomal dominant inheritance. Affected: yes.